The following is an entry in ClinVar:

ClinVar aggregate classification (germline): Uncertain significance (1 of 4 stars; one submission).

Conditions:
MARS1-related disorder. Also called: MARS1-related condition.

gnomAD v4.1: 2 of 1,613,914 alleles (0.00012%); highest among the groups gnomAD compares: African/African-American, 0.0027%; no homozygotes.

Submission:

PreventionGenetics, part of Exact Sciences
Classification: Uncertain significance for MARS1-related condition. Last evaluated: 2025-09-17. Review status: criteria provided, single submitter. Criteria: ACMG Guidelines, 2015. Collection method: clinical testing. Allele origin: germline.
Comment: The MARS1 c.2604G>C variant is predicted to result in the amino acid substitution p.Glu868Asp. To our knowledge, this variant has not been reported in the literature or in a large population database (gnomAD), indicating this variant is rare. At this time, the clinical significance of this variant is uncertain due to the absence of conclusive functional and genetic evidence.

NM_004990.4(MARS1):c.2604G>C (p.Glu868Asp)

Gene: MARS1 (methionyl-tRNA synthetase 1; plus strand). Cytogenetic location: 12q13.3.
Variant type: single nucleotide variant.
Coding change: c.2604G>C on transcript NM_004990.4 (MANE Select); coding-DNA position 2604, G replaced by C.
Protein change: p.Glu868Asp; replaces glutamic acid 868 with aspartic acid.
Molecular consequence: missense variant.
Genome position (GRCh38, 1-based): chr12:57,516,482, G>C. VCF-style: chr12-57516482-G-C. GRCh37 (hg19) VCF-style: chr12-57910265-G-C.
Other names: short protein forms E868D.
Identifiers: ClinVar variation 4986891 (VCV004986891.1).